The following is an entry in ClinVar:

NM_001378615.1(CC2D2A):c.1017C>T (p.Pro339=)

Genes: CC2D2A (coiled-coil and C2 domain containing 2A; plus strand), FBXL5 (F-box and leucine rich repeat protein 5; minus strand). Cytogenetic location: 4p15.32.
Variant type: single nucleotide variant.
Coding change: c.1017C>T on transcript NM_001378615.1 (MANE Select); coding-DNA position 1017, C replaced by T.
Protein change: p.Pro339=; no amino-acid change (proline 339 retained).
Molecular consequence: synonymous variant.
Genome position (GRCh38, 1-based): chr4:15,516,004, C>T. VCF-style: chr4-15516004-C-T. GRCh37 (hg19) VCF-style: chr4-15517627-C-T.
Other names: c.1017C>T, p.Pro339= (NM_001080522.2); c.870C>T, p.Pro290= (NM_001378617.1).
Identifiers: ClinVar variation 1422314 (VCV001422314.8), dbSNP rs777522814, ClinGen allele CA2863535.
Genomic context (GRCh38, chr4:15,516,004, plus strand): 5'-ACCAGAGGTGGCACGCACCAATCAGAACATCATGGAGAACAGATTGCTGATGCAGGACCC[C>T]GTAAGTGTGCACCCTCTGCTCTCAGGTGTAGCCTGGGCACACTAGACATAGCTTTTATTT-3'
Protein context (NP_001365544.1, residues 329-349): IMENRLLMQD[Pro339=]ERRWFGDDGR

ClinVar aggregate classification (germline): Conflicting classifications of pathogenicity. Review status: criteria provided, conflicting classifications (1 of 4 stars). 3 submissions from 3 submitters: Uncertain significance (2); Likely benign (1). Last evaluated 2025-02-21.

Conditions:
Joubert syndrome. Also called: JOUBERT-BOLTSHAUSER SYNDROME; Familial aplasia of the vermis. Identifiers: Orphanet 475, MedGen C5979921, MONDO:0018772.
Meckel-Gruber syndrome. Also called: DYSENCEPHALIA SPLANCHNOCYSTICA; GRUBER SYNDROME; Dysencephalia splachnocystica. Identifiers: Orphanet 564, MedGen C0265215, MONDO:0018921.
CC2D2A-related disorder. Also called: CC2D2A-related disorders; CC2D2A-related condition. Identifiers: MedGen CN239313.

Allele frequency attached by ClinVar (database versions not stated): ExAC 0.00002; gnomAD 0.00002; TOPMed 0.00002.
gnomAD v4.1: 26 of 1,589,778 alleles (0.0016%); highest among the groups gnomAD compares: East Asian, 0.0046%; no homozygotes.

Submissions (3):

PreventionGenetics, part of Exact Sciences
Classification: Likely benign for CC2D2A-related condition. Last evaluated: 2025-02-21. Review status: criteria provided, single submitter. Criteria: ACMG Guidelines, 2015. Collection method: clinical testing. Allele origin: germline.
Comment: This variant is classified as likely benign based on ACMG/AMP sequence variant interpretation guidelines (Richards et al. 2015 PMID: 25741868, with internal and published modifications).

Labcorp Genetics (formerly Invitae), Labcorp
Classification: Uncertain significance for Joubert syndrome; Meckel-Gruber syndrome. Last evaluated: 2024-11-10. Review status: criteria provided, single submitter. Criteria: Invitae Variant Classification Sherloc (09022015). Collection method: clinical testing. Allele origin: germline.
Comment: This sequence change affects codon 339 of the CC2D2A mRNA. It is a 'silent' change, meaning that it does not change the encoded amino acid sequence of the CC2D2A protein. It affects a nucleotide within the consensus splice site. The frequency data for this variant in the population databases is considered unreliable, as metrics indicate poor data quality at this position in the gnomAD database. This variant has not been reported in the literature in individuals affected with CC2D2A-related conditions. ClinVar contains an entry for this variant (Variation ID: 1422314). Algorithms developed to predict the effect of sequence changes on RNA splicing suggest that this variant is not likely to affect RNA splicing. In summary, the available evidence is currently insufficient to determine the role of this variant in disease. Therefore, it has been classified as a Variant of Uncertain Significance.

Blueprint Genetics
Classification: Uncertain significance. Last evaluated: 2024-09-11. Review status: criteria provided, single submitter. Criteria: ACMG Guidelines, 2015. Collection method: clinical testing. Allele origin: germline.